The following is an entry in ClinVar:

NM_002496.4(NDUFS8):c.372+11G>T

Gene: NDUFS8 (NADH:ubiquinone oxidoreductase core subunit S8; plus strand). Cytogenetic location: 11q13.2.
Variant type: single nucleotide variant.
Coding change: c.372+11G>T on transcript NM_002496.4 (MANE Select); 11 bases into the intron after coding-DNA position 372, G replaced by T.
Molecular consequence: intron variant.
Genome position (GRCh38, 1-based): chr11:68,033,294, G>T. VCF-style: chr11-68033294-G-T. GRCh37 (hg19) VCF-style: chr11-67800761-G-T.
Identifiers: ClinVar variation 381826 (VCV000381826.1), dbSNP rs1057521183, ClinGen allele CA16606374.
Genomic context (GRCh38, chr11:68,033,294, plus strand): 5'-AGGAGCGTTGCATTGCCTGCAAGCTCTGCGAGGCCATCTGCCCCGCCCAGGTGAGCCCCT[G>T]CCCCAACCGGCCACCACGCCAGCCCCTGCCACTGGGAGAGGGAGGCCAGGCAGCCCTAGG-3'

ClinVar aggregate classification (germline): Likely benign (1 of 4 stars; one submission).

Allele frequency attached by ClinVar (database versions not stated): gnomAD exomes below 0.00001; TOPMed below 0.00001.

Submission:

GeneDx
Classification: Likely benign. Last evaluated: 2015-12-07. Review status: criteria provided, single submitter. Criteria: GeneDx Variant Classification (06012015). Collection method: clinical testing. Allele origin: germline. Affected: yes.
Comment: This variant is considered likely benign or benign based on one or more of the following criteria: it is a conservative change, it occurs at a poorly conserved position in the protein, it is predicted to be benign by multiple in silico algorithms, and/or has population frequency not consistent with disease.